The following is an entry in ClinVar:

ClinVar aggregate classification (germline): Uncertain significance (1 of 4 stars; one submission).

Allele frequency attached by ClinVar (database versions not stated): gnomAD exomes below 0.00001; TOPMed below 0.00001; gnomAD 0.00001.
gnomAD v4.1: 3 of 1,613,932 alleles (0.00019%); highest among the groups gnomAD compares: Non-Finnish European, 0.00025%; no homozygotes.

Submission:

Labcorp Genetics (formerly Invitae), Labcorp
Classification: Uncertain significance. Last evaluated: 2022-07-05. Review status: criteria provided, single submitter. Criteria: Invitae Variant Classification Sherloc (09022015). Collection method: clinical testing. Allele origin: germline.
Comment: This sequence change replaces leucine, which is neutral and non-polar, with valine, which is neutral and non-polar, at codon 2051 of the LRP2 protein (p.Leu2051Val). This variant is not present in population databases (gnomAD no frequency). This variant has not been reported in the literature in individuals affected with LRP2-related conditions. ClinVar contains an entry for this variant (Variation ID: 1525256). Advanced modeling of protein sequence and biophysical properties (such as structural, functional, and spatial information, amino acid conservation, physicochemical variation, residue mobility, and thermodynamic stability) performed at Invitae indicates that this missense variant is expected to disrupt LRP2 protein function. Algorithms developed to predict the effect of sequence changes on RNA splicing suggest that this variant may create or strengthen a splice site. In summary, the available evidence is currently insufficient to determine the role of this variant in disease. Therefore, it has been classified as a Variant of Uncertain Significance.

NM_004525.3(LRP2):c.6151C>G (p.Leu2051Val)

Gene: LRP2 (LDL receptor related protein 2; minus strand). Cytogenetic location: 2q31.1.
Variant type: single nucleotide variant.
Coding change: c.6151C>G on transcript NM_004525.3 (MANE Select); coding-DNA position 6151, C replaced by G.
Protein change: p.Leu2051Val; replaces leucine 2051 with valine.
Molecular consequence: missense variant.
Genome position (GRCh38, 1-based): chr2:169,212,097, G>C on the plus strand (C>G on the coding strand, the complement: LRP2 is on the minus strand). VCF-style: chr2-169212097-G-C. GRCh37 (hg19) VCF-style: chr2-170068607-G-C.
Other names: short protein forms L2051V.
Identifiers: ClinVar variation 1525256 (VCV001525256.3), dbSNP rs1284998673, ClinGen allele CA349131806.